The following is an entry in ClinVar:

ClinVar aggregate classification (germline): Uncertain significance. Review status: criteria provided, multiple submitters, no conflicts (2 of 4 stars). 4 submissions from 4 submitters: Uncertain significance (4). Last evaluated 2026-03-20.

Conditions:
Multiple endocrine neoplasia, type 1 (MEN1). Also called: MEA I; MEN I; WERMER SYNDROME; Endocrine adenomatosis multiple; MEN 1. Identifiers: Orphanet 652, MedGen C0025267, MeSH D018761, MONDO:0007540, OMIM 131100.
Hereditary cancer-predisposing syndrome. Also called: Tumor predisposition; Hereditary Cancer Syndrome; Neoplastic Syndromes, Hereditary; Hereditary neoplastic syndrome. Identifiers: Orphanet 140162, MedGen C0027672, MeSH D009386, MONDO:0015356.

Allele frequency attached by ClinVar (database versions not stated): gnomAD exomes below 0.00001.
gnomAD v4.1: 1 of 1,614,100 alleles (0.000062%); highest among the groups gnomAD compares: Non-Finnish European, 0.000085%; no homozygotes.

Submissions (4):

Ambry Genetics
Classification: Uncertain significance for Hereditary cancer-predisposing syndrome. Last evaluated: 2026-03-20. Review status: criteria provided, single submitter. Criteria: Ambry Variant Classification Scheme 2023. Collection method: clinical testing. Allele origin: germline.
Comment: The p.R115G variant (also known as c.343C>G), located in coding exon 1 of the MEN1 gene, results from a C to G substitution at nucleotide position 343. The arginine at codon 115 is replaced by glycine, an amino acid with dissimilar properties. This amino acid position is highly conserved in available vertebrate species. In addition, this alteration is predicted to be deleterious by in silico analysis. Since supporting evidence is limited at this time, the clinical significance of this alteration remains unclear.

Labcorp Genetics (formerly Invitae), Labcorp
Classification: Uncertain significance for Multiple endocrine neoplasia, type 1. Last evaluated: 2025-08-17. Review status: criteria provided, single submitter. Criteria: Invitae Variant Classification Sherloc (09022015). Collection method: clinical testing. Allele origin: germline.
Comment: This sequence change replaces arginine, which is basic and polar, with glycine, which is neutral and non-polar, at codon 115 of the MEN1 protein (p.Arg115Gly). This variant is not present in population databases (gnomAD no frequency). This missense change has been observed in individual(s) with breast cancer (PMID: 34326862, 35264596). ClinVar contains an entry for this variant (Variation ID: 584772). Invitae Evidence Modeling of protein sequence and biophysical properties (such as structural, functional, and spatial information, amino acid conservation, physicochemical variation, residue mobility, and thermodynamic stability) indicates that this missense variant is expected to disrupt MEN1 protein function with a positive predictive value of 95%. In summary, the available evidence is currently insufficient to determine the role of this variant in disease. Therefore, it has been classified as a Variant of Uncertain Significance.

All of Us Research Program, National Institutes of Health
Classification: Uncertain significance for Multiple endocrine neoplasia, type 1. Last evaluated: 2023-02-24. Review status: criteria provided, single submitter. Criteria: ACMG Guidelines, 2015. Collection method: clinical testing. Allele origin: germline. Inheritance: Autosomal dominant inheritance. Observed: 1 variant allele, 1 heterozygote.
Comment: This missense variant replaces arginine with glycine at codon 115 of the MEN1 protein. Computational prediction suggests that this variant may have deleterious impact on protein structure and function (internally defined REVEL score threshold >= 0.7, PMID: 27666373). To our knowledge, functional studies have not been reported for this variant. This variant has not been reported in individuals affected with MEN1-related disorders in the literature. This variant has not been identified in the general population by the Genome Aggregation Database (gnomAD). The available evidence is insufficient to determine the role of this variant in disease conclusively. Therefore, this variant is classified as a Variant of Uncertain Significance.

This study involves interpretation of variants in research participants for the purpose of population health screening. Participant phenotype was not available at the time of variant classification. Additional details can be found in publication PMID: 35346344, PMCID: PMC8962531

Mendelics
Classification: Uncertain significance for Multiple endocrine neoplasia, type 1. Last evaluated: 2018-07-02. Review status: criteria provided, single submitter. Criteria: Mendelics Assertion Criteria 2017. Collection method: clinical testing. Allele origin: unknown.

Literature cited by the submitters: PubMed 34326862 (cited by Labcorp Genetics (formerly Invitae), Labcorp); PubMed 35264596 (cited by Labcorp Genetics (formerly Invitae), Labcorp).

NM_001370259.2(MEN1):c.343C>G (p.Arg115Gly)

Gene: MEN1 (menin 1; minus strand). Cytogenetic location: 11q13.1.
Variant type: single nucleotide variant.
Coding change: c.343C>G on transcript NM_001370259.2 (MANE Select); coding-DNA position 343, C replaced by G.
Protein change: p.Arg115Gly; replaces arginine 115 with glycine.
Molecular consequence: missense variant.
Genome position (GRCh38, 1-based): chr11:64,809,767, G>C on the plus strand (C>G on the coding strand, the complement: MEN1 is on the minus strand). VCF-style: chr11-64809767-G-C. GRCh37 (hg19) VCF-style: chr11-64577239-G-C.
Other names: c.343C>G, p.Arg115Gly (NM_000244.4, NM_001370251.2, NM_001370260.2 and 9 more transcripts); short protein forms R115G.
Identifiers: ClinVar variation 584772 (VCV000584772.20), dbSNP rs1565651402, ClinGen allele CA381187368.